The following is an entry in ClinVar:

ClinVar aggregate classification (germline): Uncertain significance. Review status: criteria provided, multiple submitters, no conflicts (2 of 4 stars). 2 submissions from 2 submitters: Uncertain significance (2). Last evaluated 2026-09-17.

Conditions:
Thrombomodulin-related bleeding disorder (THPH12). Also called: Thrombophilia due to thrombomodulin defect. Identifiers: Orphanet 436169, MedGen C3280976, MONDO:0013775, OMIM 614486.
Abnormal bleeding. Also called: Bleeding diathesis. Identifiers: MedGen C1458140, HP:0001892.

Submissions (2):

Genomenon, Inc
Classification: Uncertain significance for Thrombomodulin-related bleeding disorder. Last evaluated: 2026-09-17. Review status: criteria provided, single submitter. Criteria: Genomenon Sequence Variant Interpretation Standards - Updated. Collection method: curation. Allele origin: germline. Affected: no.
Comment: THBD p.Pro260Ala (c.778C>G) is a missense variant that changes the amino acid at codon 260 from proline to alanine. This variant has been reported in the published literature (PMID:40272857;31064749;39841007). It is absent or not present at a significant frequency in gnomAD. In silico models predict that this variant is not damaging. In conclusion, we classify THBD p.Pro260Ala (c.778C>G) as a variant of uncertain significance.

NIHR Bioresource Rare Diseases, University of Cambridge
Classification: Uncertain significance for Abnormal bleeding. Last evaluated: 2019-02-01. Review status: criteria provided, single submitter. Criteria: ACMG Guidelines, 2015. Collection method: research. Allele origin: unknown. Affected: yes. Observed: 1 heterozygote. Study: ThromboGenomics.

Literature cited by the submitters: PubMed 40272857 (cited by Genomenon, Inc); PubMed 31064749 (cited by Genomenon, Inc and NIHR Bioresource Rare Diseases, University of Cambridge); PubMed 39841007 (cited by Genomenon, Inc).

NM_000361.3(THBD):c.778C>G (p.Pro260Ala)

Gene: THBD (thrombomodulin; minus strand). Cytogenetic location: 20p11.21.
Variant type: single nucleotide variant.
Coding change: c.778C>G on transcript NM_000361.3 (MANE Select); coding-DNA position 778, C replaced by G.
Protein change: p.Pro260Ala; replaces proline 260 with alanine.
Molecular consequence: missense variant.
Genome position (GRCh38, 1-based): chr20:23,048,727, G>C on the plus strand (C>G on the coding strand, the complement: THBD is on the minus strand). VCF-style: chr20-23048727-G-C. GRCh37 (hg19) VCF-style: chr20-23029364-G-C.
Other names: short protein forms P260A.
Identifiers: ClinVar variation 627381 (VCV000627381.4), dbSNP rs1362772246, ClinGen allele CA408406960.